The following is an entry in ClinVar:

ClinVar aggregate classification (germline): Benign/Likely benign. Review status: criteria provided, multiple submitters, no conflicts (2 of 4 stars). 2 submissions from 2 submitters: Benign (1); Likely benign (1). Last evaluated 2022-12-01.

Allele frequency attached by ClinVar (database versions not stated): gnomAD 0.00007 and 0.00022; ESP Exome Variant Server 0.00008; TOPMed 0.00009; gnomAD exomes 0.00047 and 0.00093; 1000 Genomes Project 0.00060; 1000 Genomes Project 30x 0.00109; ExAC 0.00116.
gnomAD v4.1: 713 of 1,614,024 alleles (0.044%); highest among the groups gnomAD compares: South Asian, 0.68%; 8 homozygotes.

Submissions (2):

CeGaT Center for Human Genetics Tuebingen
Classification: Likely benign. Last evaluated: 2022-12-01. Review status: criteria provided, single submitter. Criteria: CeGaT Center For Human Genetics Tuebingen Variant Classification Criteria Version 2. Collection method: clinical testing. Allele origin: germline. Affected: yes. Observed: 2 variant alleles.
Comment: MYT1L: BP4, BP7

GeneDx
Classification: Benign. Last evaluated: 2020-01-02. Review status: criteria provided, single submitter. Criteria: GeneDx Variant Classification Process June 2021. Collection method: clinical testing. Allele origin: germline. Affected: yes.

NM_001303052.2(MYT1L):c.1200G>A (p.Ala400=)

Gene: MYT1L (myelin transcription factor 1 like; minus strand). Cytogenetic location: 2p25.3.
Variant type: single nucleotide variant.
Coding change: c.1200G>A on transcript NM_001303052.2 (MANE Select); coding-DNA position 1200, G replaced by A.
Protein change: p.Ala400=; no amino-acid change (alanine 400 retained).
Molecular consequence: synonymous variant.
Genome position (GRCh38, 1-based): chr2:1,922,569, C>T on the plus strand (G>A on the coding strand, the complement: MYT1L is on the minus strand). VCF-style: chr2-1922569-C-T. GRCh37 (hg19) VCF-style: chr2-1926341-C-T.
Other names: c.1200G>A, p.Ala400= (NM_001329844.2, NM_001329845.1, NM_001329846.3 and 6 more transcripts).
Identifiers: ClinVar variation 1278298 (VCV001278298.25), dbSNP rs373977335, ClinGen allele CA1514280.